The following is an entry in ClinVar:

NM_001363711.2(DUOX2):c.306C>G (p.Thr102=)

Gene: DUOX2 (dual oxidase 2; minus strand). Cytogenetic location: 15q21.1.
Variant type: single nucleotide variant.
Coding change: c.306C>G on transcript NM_001363711.2 (MANE Select); coding-DNA position 306, C replaced by G.
Protein change: p.Thr102=; no amino-acid change (threonine 102 retained).
Molecular consequence: synonymous variant.
Genome position (GRCh38, 1-based): chr15:45,112,573, G>C on the plus strand (C>G on the coding strand, the complement: DUOX2 is on the minus strand). VCF-style: chr15-45112573-G-C. GRCh37 (hg19) VCF-style: chr15-45404771-G-C.
Other names: c.306C>G, p.Thr102= (NM_014080.5).
Identifiers: ClinVar variation 3001040 (VCV003001040.3), dbSNP rs770729810, ClinGen allele CA490227016.
Genomic context (GRCh38, chr15:45,112,573, plus strand): 5'-AGCGCCAGATCAACCCCACTGGTCTCCCCCTTTGCCCTCACCAAAGAAGACCCCCAGTAC[G>C]GTGCGGTTGTGGAGCGACGGCAGGCCGGCTATGCCCCGCGTGGCTGCGTTGCTGAGCCGG-3'
Protein context (NP_001350640.1, residues 92-112): IAGLPSLHNR[Thr102=]VLGVFFGYHV

ClinVar aggregate classification (germline): Uncertain significance (1 of 4 stars; one submission).

gnomAD v4.1: 1 of 1,613,090 alleles (0.000062%); highest among the groups gnomAD compares: Non-Finnish European, 0.000085%; no homozygotes.

Submission:

Labcorp Genetics (formerly Invitae), Labcorp
Classification: Uncertain significance. Last evaluated: 2023-11-16. Review status: criteria provided, single submitter. Criteria: Invitae Variant Classification Sherloc (09022015). Collection method: clinical testing. Allele origin: germline.
Comment: This sequence change affects codon 102 of the DUOX2 mRNA. It is a 'silent' change, meaning that it does not change the encoded amino acid sequence of the DUOX2 protein. This variant is present in population databases (no rsID available, gnomAD 0.003%). This variant has not been reported in the literature in individuals affected with DUOX2-related conditions. Algorithms developed to predict the effect of sequence changes on RNA splicing suggest that this variant may disrupt the consensus splice site. In summary, the available evidence is currently insufficient to determine the role of this variant in disease. Therefore, it has been classified as a Variant of Uncertain Significance.